The following is an entry in ClinVar:

ClinVar aggregate classification (germline): Conflicting classifications of pathogenicity. Review status: criteria provided, conflicting classifications (1 of 4 stars). 9 submissions from 8 submitters: Uncertain significance (5); Benign (1); Likely benign (2). 1 of the submissions does not count toward it. Last evaluated 2026-01-05.

Conditions:
PDE6C-related disorder. Also called: PDE6C-related condition.
Achromatopsia. Also called: Rod monochromatism. Identifiers: Orphanet 49382, MedGen C0152200, MONDO:0018852, HP:0011516.
Cone dystrophy 4 (COD4). Identifiers: Orphanet 49382, MedGen C2751308, MONDO:0013129, OMIM 613093.

Allele frequency attached by ClinVar (database versions not stated): 1000 Genomes Project 30x 0.00156; gnomAD 0.00179 and 0.00178; gnomAD exomes 0.00155 and 0.00184; ExAC 0.00170; TOPMed 0.00124; ESP Exome Variant Server 0.00138; 1000 Genomes Project 0.00180.
gnomAD v4.1: 2,526 of 1,613,156 alleles (0.16%); highest among the groups gnomAD compares: Admixed American, 0.17%; 5 homozygotes.

Submissions (9):

Labcorp Genetics (formerly Invitae), Labcorp
Classification: Benign. Last evaluated: 2026-01-05. Review status: criteria provided, single submitter. Criteria: Invitae Variant Classification Sherloc (09022015). Collection method: clinical testing. Allele origin: germline.

Blueprint Genetics
Classification: Likely benign. Last evaluated: 2024-11-21. Review status: criteria provided, single submitter. Criteria: ACMG Guidelines, 2015. Collection method: clinical testing. Allele origin: germline.

CeGaT Center for Human Genetics Tuebingen
Classification: Uncertain significance. Last evaluated: 2023-10-01. Review status: criteria provided, single submitter. Criteria: CeGaT Center For Human Genetics Tuebingen Variant Classification Criteria Version 2. Collection method: clinical testing. Allele origin: germline. Affected: yes. Observed: 2 variant alleles.

Department of Pathology and Laboratory Medicine, Sinai Health System
Classification: Uncertain significance for Cone dystrophy 4. Last evaluated: 2020-08-19. Review status: criteria provided, single submitter. Criteria: ACMG Guidelines, 2015. Collection method: research. Allele origin: germline.

Illumina Laboratory Services, Illumina
Classification: Uncertain significance for Achromatopsia. Last evaluated: 2018-01-13. Review status: criteria provided, single submitter. Criteria: ICSL Variant Classification Criteria 13 December 2019. Collection method: clinical testing. Allele origin: germline.

Illumina Laboratory Services, Illumina
Classification: Uncertain significance for Cone dystrophy 4. Last evaluated: 2018-01-13. Review status: criteria provided, single submitter. Criteria: ICSL Variant Classification Criteria 13 December 2019. Collection method: clinical testing. Allele origin: germline.

GeneDx
Classification: Likely benign. Last evaluated: 2015-03-03. Review status: criteria provided, single submitter. Criteria: GeneDx Variant Classification Process June 2021. Collection method: clinical testing. Allele origin: germline. Affected: yes.
Comment: See Variant Classification Assertion Criteria.

Eurofins Ntd Llc (ga)
Classification: Uncertain significance. Last evaluated: 2013-09-10. Review status: criteria provided, single submitter. Criteria: EGL Classification Definitions 2015. Collection method: clinical testing. Allele origin: germline. Observed: 1 variant allele, 1 heterozygote.

PreventionGenetics, part of Exact Sciences
Classification: Likely benign for PDE6C-related condition. Last evaluated: 2020-04-29. Review status: no assertion criteria provided. Collection method: clinical testing. Allele origin: germline. Not counted in ClinVar's aggregate classification.
Comment: This variant is classified as likely benign based on ACMG/AMP sequence variant interpretation guidelines (Richards et al. 2015 PMID: 25741868, with internal and published modifications).

NM_006204.4(PDE6C):c.2082G>A (p.Met694Ile)

Gene: PDE6C (phosphodiesterase 6C; plus strand). Cytogenetic location: 10q23.33.
Variant type: single nucleotide variant.
Coding change: c.2082G>A on transcript NM_006204.4 (MANE Select); coding-DNA position 2082, G replaced by A.
Protein change: p.Met694Ile; replaces methionine 694 with isoleucine.
Molecular consequence: missense variant.
Genome position (GRCh38, 1-based): chr10:93,658,946, G>A. VCF-style: chr10-93658946-G-A. GRCh37 (hg19) VCF-style: chr10-95418703-G-A.
Other names: short protein forms M694I.
Identifiers: ClinVar variation 95345 (VCV000095345.59), dbSNP rs150112560, ClinGen allele CA222911.